The following is an entry in ClinVar:

ClinVar aggregate classification (germline): Uncertain significance (1 of 4 stars; one submission).

Conditions:
Familial adenomatous polyposis 1 (FAP1). Also called: FAMILIAL ADENOMATOUS POLYPOSIS 1, ATTENUATED; POLYPOSIS, ADENOMATOUS INTESTINAL. Identifiers: MedGen C2713442, MONDO:0021056, OMIM 175100. Disease mechanism: loss of function.

gnomAD v4.1: 3 of 1,370,354 alleles (0.00022%); highest among the groups gnomAD compares: East Asian, 0.0068%; no homozygotes.

Submission:

Labcorp Genetics (formerly Invitae), Labcorp
Classification: Uncertain significance for Familial adenomatous polyposis 1. Last evaluated: 2019-06-27. Review status: criteria provided, single submitter. Criteria: Invitae Variant Classification Sherloc (09022015). Collection method: clinical testing. Allele origin: germline.
Comment: In summary, the available evidence is currently insufficient to determine the role of this variant in disease. Therefore, it has been classified as a Variant of Uncertain Significance. Experimental studies and prediction algorithms are not available for this variant, and the functional significance of this non-coding change is currently unknown. This variant has not been reported in the literature in individuals with APC-related conditions. The frequency data for this variant in the population databases is considered unreliable, as metrics indicate insufficient coverage at this position in the ExAC database. This variant occurs in a non-coding region of the APC gene. It does not change the encoded amino acid sequence of the APC protein.

NM_001127511.3(APC):c.133C>G (p.Arg45Gly)

Gene: APC (APC regulator of Wnt signaling pathway; plus strand). Cytogenetic location: 5q22.2.
Variant type: single nucleotide variant.
Coding change: c.133C>G on transcript NM_001127511.3; coding-DNA position 133, C replaced by G.
Protein change: p.Arg45Gly; replaces arginine 45 with glycine.
Molecular consequence: missense variant. On other transcripts: 5 prime UTR variant (8), non-coding transcript variant (1), intron variant (5).
Genome position (GRCh38, 1-based): chr5:112,707,850, C>G. VCF-style: chr5-112707850-C-G. GRCh37 (hg19) VCF-style: chr5-112043547-C-G.
Other names: c.-51C>G (NM_001354895.2, NM_001407447.1, NM_001407452.1 and 3 more transcripts); c.133C>G, p.Arg45Gly (NM_001354897.2, NM_001354902.2, NM_001407446.1); c.-1086C>G (NM_001407470.1, NM_001407472.1); c.-19+201C>G (NM_001407448.1, NM_001407450.1, NM_001407457.1 and 1 more transcripts); c.-43+201C>G (NM_001407453.1); short protein forms R45G.
Identifiers: ClinVar variation 1057797 (VCV001057797.9), dbSNP rs755954869, ClinGen allele CA124925201.